The following is an entry in ClinVar:

NM_025114.4(CEP290):c.7331del (p.Lys2444fs)

Genes: CEP290 (centrosomal protein 290; minus strand), RLIG1 (RNA 5'-phosphate and 3'-OH ligase 1; plus strand). Cytogenetic location: 12q21.32.
Variant type: Deletion.
Coding change: c.7331del on transcript NM_025114.4 (MANE Select); coding-DNA position 7331, one base deleted (A; older notation c.7331delA).
Protein change: p.Lys2444fs; shifts the reading frame from lysine 2444.
Molecular consequence: frameshift variant. On other transcripts: 3 prime UTR variant (1).
Genome position (GRCh38, 1-based): chr12:88,049,293, T deleted on the plus strand (A on the coding strand, the reverse complement: CEP290 is on the minus strand); the first of 2 consecutive T bases (chr12:88,049,293-88,049,294); deleting either gives the same sequence. VCF-style (leftmost placement, unchanged base first): chr12-88049292-CT-C. GRCh37 (hg19) VCF-style: chr12-88443069-CT-C.
Other names: c.*872del (NM_001009894.3); short protein forms K2444fs.
Identifiers: ClinVar variation 2041164 (VCV002041164.4), dbSNP rs2499339598, ClinGen allele CA2580086700.
Genomic context (GRCh38, chr12:88,049,292, plus strand): 5'-TTCAGAAGCAGCAACAGGGCTAGTTAATTCAACTCCCAATTGTTCTGAAAGTTTTTTTAC[CT>C]TCTCTTCTAAGAGAATATTCTTCTTCACTTCTTCCTTGTAATTATACTTAAGATCTTCAA-3'

ClinVar aggregate classification (germline): Pathogenic (1 of 4 stars; one submission).

Conditions:
Joubert syndrome. Also called: CEREBELLOPARENCHYMAL DISORDER IV; JOUBERT-BOLTSHAUSER SYNDROME; Familial aplasia of the vermis. Identifiers: Orphanet 475, MedGen C5979921, MONDO:0018772.
Nephronophthisis. Also called: Juvenile Nephronophthisis. Identifiers: Orphanet 655, MedGen C0687120, MONDO:0019005, HP:0000090.
Meckel-Gruber syndrome. Also called: DYSENCEPHALIA SPLANCHNOCYSTICA; GRUBER SYNDROME; Dysencephalia splachnocystica. Identifiers: Orphanet 564, MedGen C0265215, MONDO:0018921.

Submission:

Labcorp Genetics (formerly Invitae), Labcorp
Classification: Pathogenic for Joubert syndrome; Meckel-Gruber syndrome; Nephronophthisis. Last evaluated: 2023-03-04. Review status: criteria provided, single submitter. Criteria: Invitae Variant Classification Sherloc (09022015). Collection method: clinical testing. Allele origin: germline.
Comment: For these reasons, this variant has been classified as Pathogenic. This variant disrupts a region of the CEP290 protein in which other variant(s) (p.Leu2448Thrfs*8) have been determined to be pathogenic (PMID: 16682973, 16909394, 29588463). This suggests that this is a clinically significant region of the protein, and that variants that disrupt it are likely to be disease-causing. ClinVar contains an entry for this variant (Variation ID: 2041164). This variant has not been reported in the literature in individuals affected with CEP290-related conditions. This variant is not present in population databases (gnomAD no frequency). This sequence change creates a premature translational stop signal (p.Lys2444Argfs*2) in the CEP290 gene. While this is not anticipated to result in nonsense mediated decay, it is expected to disrupt the last 36 amino acid(s) of the CEP290 protein.

Literature cited by the submitters: PubMed 16682973; PubMed 16909394; PubMed 29588463.